The following is an entry in ClinVar:

ClinVar aggregate classification (germline): Benign/Likely benign. Review status: criteria provided, multiple submitters, no conflicts (2 of 4 stars). 5 submissions from 5 submitters: Benign (2); Likely benign (2). 1 of the submissions does not count toward it. Last evaluated 2026-02-03.

Conditions:
AP2M1-related disorder. Also called: AP2M1-related condition.
Intellectual developmental disorder 60 with seizures. Also called: MENTAL RETARDATION, AUTOSOMAL DOMINANT 60, WITH SEIZURES; INTELLECTUAL DEVELOPMENTAL DISORDER, AUTOSOMAL DOMINANT 60, WITH SEIZURES. Identifiers: MedGen C5231497, MONDO:0032823, OMIM 618587.

Allele frequency attached by ClinVar (database versions not stated): gnomAD exomes 0.00233 and 0.00577; ExAC 0.00730; gnomAD 0.02345 and 0.02508; ESP Exome Variant Server 0.02522; 1000 Genomes Project 0.02616; TOPMed 0.02679; 1000 Genomes Project 30x 0.02717.
gnomAD v4.1: 7,148 of 1,613,594 alleles (0.44%); highest among the groups gnomAD compares: African/African-American, 8.2%; 265 homozygotes.

Submissions (5):

Labcorp Genetics (formerly Invitae), Labcorp
Classification: Benign. Last evaluated: 2026-02-03. Review status: criteria provided, single submitter. Criteria: Invitae Variant Classification Sherloc (09022015). Collection method: clinical testing. Allele origin: germline.

Mayo Clinic Laboratories, Mayo Clinic
Classification: Benign. Last evaluated: 2022-07-01. Review status: criteria provided, single submitter. Criteria: ACMG Guidelines, 2015. Collection method: clinical testing. Allele origin: germline. Observed: 6 variant alleles.

Genome-Nilou Lab
Classification: Likely benign for Intellectual developmental disorder 60 with seizures. Last evaluated: 2021-07-14. Review status: criteria provided, single submitter. Criteria: ACMG Guidelines, 2015. Collection method: clinical testing. Allele origin: germline. Affected: no.

Breakthrough Genomics
Classification: Likely benign. Review status: criteria provided, single submitter. Criteria: ACMG Guidelines, 2015. Collection method: not provided. Allele origin: germline. Inheritance: Autosomal dominant inheritance. Affected: yes.

PreventionGenetics, part of Exact Sciences
Classification: Benign for AP2M1-related condition. Last evaluated: 2019-11-05. Review status: no assertion criteria provided. Collection method: clinical testing. Allele origin: germline. Not counted in ClinVar's aggregate classification.
Comment: This variant is classified as benign based on ACMG/AMP sequence variant interpretation guidelines (Richards et al. 2015 PMID: 25741868, with internal and published modifications).

NM_004068.4(AP2M1):c.1293T>C (p.Tyr431=)

Gene: AP2M1 (adaptor related protein complex 2 subunit mu 1; plus strand). Cytogenetic location: 3q27.1.
Variant type: single nucleotide variant.
Coding change: c.1293T>C on transcript NM_004068.4 (MANE Select); coding-DNA position 1293, T replaced by C.
Protein change: p.Tyr431=; no amino-acid change (tyrosine 431 retained).
Molecular consequence: synonymous variant.
Genome position (GRCh38, 1-based): chr3:184,183,601, T>C. VCF-style: chr3-184183601-T-C. GRCh37 (hg19) VCF-style: chr3-183901389-T-C.
Other names: p.Tyr431=; c.1287T>C, p.Tyr429= (NM_001025205.2); c.1368T>C, p.Tyr456= (NM_001311198.2); c.1368T>C (NM_001311198.1).
Identifiers: ClinVar variation 1170246 (VCV001170246.14), dbSNP rs13262, ClinGen allele CA2727926.